The following is an entry in ClinVar:

NM_002840.5(PTPRF):c.1819T>A (p.Ser607Thr)

Gene: PTPRF (protein tyrosine phosphatase receptor type F; plus strand). Cytogenetic location: 1p34.2.
Variant type: single nucleotide variant.
Coding change: c.1819T>A on transcript NM_002840.5 (MANE Select); coding-DNA position 1819, T replaced by A.
Protein change: p.Ser607Thr; replaces serine 607 with threonine.
Molecular consequence: missense variant. On other transcripts: intron variant (4).
Genome position (GRCh38, 1-based): chr1:43,597,753, T>A. VCF-style: chr1-43597753-T-A. GRCh37 (hg19) VCF-style: chr1-44063424-T-A.
Other names: c.1819T>A, p.Ser607Thr (NM_130440.4); c.1844-967T>A (NM_001329138.2); c.1832-967T>A (NM_001329137.2); c.1814-967T>A (NM_001329139.2, NM_001329140.2); short protein forms S607T.
Identifiers: ClinVar variation 3041659 (VCV003041659.2), dbSNP rs868510741, ClinGen allele CA340000565.

ClinVar aggregate classification (germline): Likely benign (0 of 4 stars; one submission).

Conditions:
PTPRF-related disorder. Also called: PTPRF-related condition.

Submission:

PreventionGenetics, part of Exact Sciences
Classification: Likely benign for PTPRF-related condition. Last evaluated: 2020-05-26. Review status: no assertion criteria provided. Collection method: clinical testing. Allele origin: germline.
Comment: This variant is classified as likely benign based on ACMG/AMP sequence variant interpretation guidelines (Richards et al. 2015 PMID: 25741868, with internal and published modifications).